The following is an entry in ClinVar:

NM_001330260.2(SCN8A):c.3386C>T (p.Thr1129Ile)

Gene: SCN8A (sodium voltage-gated channel alpha subunit 8; plus strand). Cytogenetic location: 12q13.13.
Variant type: single nucleotide variant.
Coding change: c.3386C>T on transcript NM_001330260.2 (MANE Select); coding-DNA position 3386, C replaced by T.
Protein change: p.Thr1129Ile; replaces threonine 1129 with isoleucine.
Molecular consequence: missense variant.
Genome position (GRCh38, 1-based): chr12:51,769,881, C>T. VCF-style: chr12-51769881-C-T. GRCh37 (hg19) VCF-style: chr12-52163665-C-T.
Other names: c.3386C>T, p.Thr1129Ile (NM_001177984.3, NM_001369788.1, NM_014191.4); short protein forms T1129I.
Identifiers: ClinVar variation 4796889 (VCV004796889.1).
Genomic context (GRCh38, chr12:51,769,881, plus strand): 5'-CATGTTGCCTCAGAGCTGCCTGATCTCCCTTTTCCTTGCGTGTCTAGAAACTAGATGACA[C>T]CAGCTCCTCTGAAGGAAGCACCATTGATATCAAACCAGAAGTAGAAGAGGTCCCTGTGGA-3'
Protein context (NP_001317189.1, residues 1119-1139): PEGSKDKLDD[Thr1129Ile]SSSEGSTIDI

ClinVar aggregate classification (germline): Uncertain significance (1 of 4 stars; one submission).

Conditions:
Early-infantile DEE. Also called: Ohtahara syndrome; Early infantile epileptic encephalopathy with suppression bursts; Early infantile epileptic encephalopathy. Identifiers: Orphanet 1934, MedGen C0393706, MONDO:0800491.

Submission:

Labcorp Genetics (formerly Invitae), Labcorp
Classification: Uncertain significance for Early-infantile DEE. Last evaluated: 2025-03-10. Review status: criteria provided, single submitter. Criteria: Invitae Variant Classification Sherloc (09022015). Collection method: clinical testing. Allele origin: germline.
Comment: This sequence change replaces threonine, which is neutral and polar, with isoleucine, which is neutral and non-polar, at codon 1129 of the SCN8A protein (p.Thr1129Ile). This variant is not present in population databases (gnomAD no frequency). This variant has not been reported in the literature in individuals affected with SCN8A-related conditions. Invitae Evidence Modeling of protein sequence and biophysical properties (such as structural, functional, and spatial information, amino acid conservation, physicochemical variation, residue mobility, and thermodynamic stability) indicates that this missense variant is not expected to disrupt SCN8A protein function with a negative predictive value of 95%. In summary, the available evidence is currently insufficient to determine the role of this variant in disease. Therefore, it has been classified as a Variant of Uncertain Significance.